The following is an entry in ClinVar:

ClinVar aggregate classification (germline): Likely benign. Review status: criteria provided, multiple submitters, no conflicts (2 of 4 stars). 2 submissions from 2 submitters: Likely benign (2). Last evaluated 2024-10-24.

Conditions:
Developmental and epileptic encephalopathy, 9 (DEE9). Also called: Early infantile epileptic encephalopathy 9; EPILEPSY, FEMALE-RESTRICTED, WITH MENTAL RETARDATION; JUBERG-HELLMAN SYNDROME; PCDH19-Related X-Linked Female-Limited Epilepsy with Mental Retardation. Identifiers: Orphanet 101039, Orphanet 2076, MedGen C1848137, MONDO:0010246, OMIM 300088. Disease mechanism: loss of function.

Allele frequency attached by ClinVar (database versions not stated): gnomAD 0.00002; TOPMed 0.00003; gnomAD exomes 0.00004 and 0.00005; ExAC 0.00006; ESP Exome Variant Server 0.00010.
gnomAD v4.1: 55 of 1,211,192 alleles (0.0045%); highest among the groups gnomAD compares: Non-Finnish European, 0.0058%; no homozygotes.

Submissions (2):

Labcorp Genetics (formerly Invitae), Labcorp
Classification: Likely benign for Developmental and epileptic encephalopathy, 9. Last evaluated: 2024-10-24. Review status: criteria provided, single submitter. Criteria: Invitae Variant Classification Sherloc (09022015). Collection method: clinical testing. Allele origin: germline.

GeneDx
Classification: Likely benign. Last evaluated: 2016-05-16. Review status: criteria provided, single submitter. Criteria: GeneDx Variant Classification (06012015). Collection method: clinical testing. Allele origin: germline. Affected: yes.
Comment: This variant is considered likely benign or benign based on one or more of the following criteria: it is a conservative change, it occurs at a poorly conserved position in the protein, it is predicted to be benign by multiple in silico algorithms, and/or has population frequency not consistent with disease.

NM_001184880.2(PCDH19):c.798C>T (p.Asp266=)

Gene: PCDH19 (protocadherin 19; minus strand). Cytogenetic location: Xq22.1.
Variant type: single nucleotide variant.
Coding change: c.798C>T on transcript NM_001184880.2 (MANE Select); coding-DNA position 798, C replaced by T.
Protein change: p.Asp266=; no amino-acid change (aspartic acid 266 retained).
Molecular consequence: synonymous variant.
Genome position (GRCh38, 1-based): chrX:100,407,800, G>A on the plus strand (C>T on the coding strand, the complement: PCDH19 is on the minus strand). VCF-style: chrX-100407800-G-A. GRCh37 (hg19) VCF-style: chrX-99662798-G-A.
Other names: c.798C>T, p.Asp266= (NM_001105243.2, NM_020766.3).
Identifiers: ClinVar variation 386118 (VCV000386118.12), dbSNP rs369638371, ClinGen allele CA10468951.
Genomic context (GRCh38, chrX:100,407,800, plus strand): 5'-GCGCGTGCGGTCGTTGACGTAGCCATAGAAGGAGTAGACCACCTGGCCGTTGGTGCCCTC[G>A]TCTGGATCGCTGGCGTTGAGGCGGATGACGGGTGTGTTGGGAGGCGAGTTTTCTGGCACG-3'
Protein context (NP_001171809.1, residues 256-276): PVIRLNASDP[Asp266=]EGTNGQVVYS